The following is an entry in ClinVar:

NM_001271.4(CHD2):c.4898G>A (p.Ser1633Asn)

Gene: CHD2 (chromodomain helicase DNA binding protein 2; plus strand). Cytogenetic location: 15q26.1.
Variant type: single nucleotide variant.
Coding change: c.4898G>A on transcript NM_001271.4 (MANE Select); coding-DNA position 4898, G replaced by A.
Protein change: p.Ser1633Asn; replaces serine 1633 with asparagine.
Molecular consequence: missense variant.
Genome position (GRCh38, 1-based): chr15:93,014,901, G>A. VCF-style: chr15-93014901-G-A. GRCh37 (hg19) VCF-style: chr15-93558131-G-A.
Other names: short protein forms S1633N.
Identifiers: ClinVar variation 1042470 (VCV001042470.9), dbSNP rs2054438446, ClinGen allele CA393906941.

ClinVar aggregate classification (germline): Uncertain significance (1 of 4 stars; one submission).

Conditions:
Developmental and epileptic encephalopathy 94 (DEE94). Also called: CHD2-Related Neurodevelopmental Disorders; Epileptic encephalopathy, childhood-onset. Identifiers: Orphanet 1942, Orphanet 2382, MedGen C3809278, MONDO:0014150, OMIM 615369.

Allele frequency attached by ClinVar (database versions not stated): gnomAD exomes below 0.00001.
gnomAD v4.1: 1 of 1,613,682 alleles (0.000062%); highest among the groups gnomAD compares: Non-Finnish European, 0.000085%; no homozygotes.

Submission:

Labcorp Genetics (formerly Invitae), Labcorp
Classification: Uncertain significance for Developmental and epileptic encephalopathy 94. Last evaluated: 2020-08-30. Review status: criteria provided, single submitter. Criteria: Invitae Variant Classification Sherloc (09022015). Collection method: clinical testing. Allele origin: germline.
Comment: This variant has not been reported in the literature in individuals with CHD2-related conditions. In summary, the available evidence is currently insufficient to determine the role of this variant in disease. Therefore, it has been classified as a Variant of Uncertain Significance. Advanced modeling of protein sequence and biophysical properties (such as structural, functional, and spatial information, amino acid conservation, physicochemical variation, residue mobility, and thermodynamic stability) performed at Invitae indicates that this missense variant is not expected to disrupt CHD2 protein function. This variant is not present in population databases (ExAC no frequency). This sequence change replaces serine with asparagine at codon 1633 of the CHD2 protein (p.Ser1633Asn). The serine residue is moderately conserved and there is a small physicochemical difference between serine and asparagine.